The following is an entry in ClinVar:

ClinVar aggregate classification (germline): Uncertain significance. Review status: criteria provided, single submitter (1 of 4 stars). 2 submissions from 2 submitters: Uncertain significance (1). 1 of the submissions does not count toward it. Last evaluated 2022-02-24.

Conditions:
Bloom syndrome (BLM). Also called: Bloom-Torre-Machacek syndrome. Identifiers: Orphanet 125, MedGen C0005859, MONDO:0008876, OMIM 210900.

Submissions (2):

Labcorp Genetics (formerly Invitae), Labcorp
Classification: Uncertain significance for Bloom syndrome. Last evaluated: 2022-02-24. Review status: criteria provided, single submitter. Criteria: Invitae Variant Classification Sherloc (09022015). Collection method: clinical testing. Allele origin: germline.
Comment: In summary, the available evidence is currently insufficient to determine the role of this variant in disease. Therefore, it has been classified as a Variant of Uncertain Significance. Experimental studies and prediction algorithms are not available or were not evaluated, and the functional significance of this variant is currently unknown. ClinVar contains an entry for this variant (Variation ID: 557594). This variant has not been reported in the literature in individuals affected with BLM-related conditions. This variant is present in population databases (rs773427744, gnomAD 0.006%). This variant, c.483_491del, results in the deletion of 3 amino acid(s) of the BLM protein (p.Asp161_Ser163del), but otherwise preserves the integrity of the reading frame.

Counsyl
Classification: Uncertain significance for Bloom syndrome. Last evaluated: 2018-04-02. Review status: no assertion criteria provided. Collection method: clinical testing. Allele origin: unknown. Not counted in ClinVar's aggregate classification.

NM_000057.4(BLM):c.483_491del (p.Asp161_Ser163del)

Gene: BLM (BLM RecQ like helicase; plus strand). Cytogenetic location: 15q26.1.
Variant type: Deletion.
Coding change: c.483_491del on transcript NM_000057.4 (MANE Select); coding-DNA positions 483 to 491, 9 bases deleted (TACTTCTGA; older notation c.483_491delTACTTCTGA).
Protein change: p.Asp161_Ser163del.
Molecular consequence: inframe deletion. On other transcripts: 5 prime UTR variant (1).
Genome position (GRCh38, 1-based): chr15:90,749,751-90,749,759, TACTTCTGA deleted; deleting any 9 consecutive bases within chr15:90,749,748-90,749,759 gives the same sequence; the c. name uses the placement nearest the transcript's 3' end. VCF-style (leftmost placement, unchanged base first): chr15-90749747-TTGATACTTC-T. GRCh37 (hg19) VCF-style: chr15-91292977-TTGATACTTC-T.
Other names: c.483_491del, p.Asp161_Ser163del (NM_001287246.2, NM_001287247.2); c.-809_-801del (NM_001287248.2).
Identifiers: ClinVar variation 557594 (VCV000557594.7), dbSNP rs773427744, ClinGen allele CA7738300.
Genomic context (GRCh38, chr15:90,749,747, plus strand): 5'-AATTTAGTTCTTCACCAGATTCTTTAAGTACCATCAATGATTGGGATGATATGGATGACT[TTGATACTTC>T]TGAGACTTCAAAATCATTTGTTACACCACCCCAAAGTCACTTTGTAAGAGTAAGCACTGC-3'